The following is an entry in ClinVar:

NM_004247.4(EFTUD2):c.373A>G (p.Asn125Asp)

Gene: EFTUD2 (elongation factor Tu GTP binding domain containing 2; minus strand). Cytogenetic location: 17q21.31.
Variant type: single nucleotide variant.
Coding change: c.373A>G on transcript NM_004247.4 (MANE Select); coding-DNA position 373, A replaced by G.
Protein change: p.Asn125Asp; replaces asparagine 125 with aspartic acid.
Molecular consequence: missense variant.
Genome position (GRCh38, 1-based): chr17:44,883,702, T>C on the plus strand (A>G on the coding strand, the complement: EFTUD2 is on the minus strand). VCF-style: chr17-44883702-T-C. GRCh37 (hg19) VCF-style: chr17-42961070-T-C.
Other names: c.268A>G, p.Asn90Asp (NM_001142605.2); c.373A>G, p.Asn125Asp (NM_001258353.2, NM_001258354.2); c.373A>G (NM_004247.3); short protein forms N125D, N90D.
Identifiers: ClinVar variation 2982689 (VCV002982689.4), dbSNP rs147748510, ClinGen allele CA290999282.

ClinVar aggregate classification (germline): Uncertain significance. Review status: criteria provided, multiple submitters, no conflicts (2 of 4 stars). 2 submissions from 2 submitters: Uncertain significance (2). Last evaluated 2026-03-02.

Conditions:
Inborn genetic diseases. Identifiers: MedGen C0950123, MeSH D030342.

Allele frequency attached by ClinVar (database versions not stated): TOPMed 0.00002; ESP Exome Variant Server 0.00008; gnomAD exomes below 0.00001.
gnomAD v4.1: 7 of 1,614,206 alleles (0.00043%); highest among the groups gnomAD compares: Non-Finnish European, 0.00059%; no homozygotes.

Submissions (2):

Ambry Genetics
Classification: Uncertain significance for Inborn genetic diseases. Last evaluated: 2026-03-02. Review status: criteria provided, single submitter. Criteria: Ambry Variant Classification Scheme 2023. Collection method: clinical testing. Allele origin: germline.

Labcorp Genetics (formerly Invitae), Labcorp
Classification: Uncertain significance. Last evaluated: 2023-08-24. Review status: criteria provided, single submitter. Criteria: Invitae Variant Classification Sherloc (09022015). Collection method: clinical testing. Allele origin: germline.
Comment: In summary, the available evidence is currently insufficient to determine the role of this variant in disease. Therefore, it has been classified as a Variant of Uncertain Significance. Advanced modeling of protein sequence and biophysical properties (such as structural, functional, and spatial information, amino acid conservation, physicochemical variation, residue mobility, and thermodynamic stability) performed at Invitae indicates that this missense variant is not expected to disrupt EFTUD2 protein function. This variant has not been reported in the literature in individuals affected with EFTUD2-related conditions. This variant is present in population databases (rs147748510, gnomAD 0.0009%). This sequence change replaces asparagine, which is neutral and polar, with aspartic acid, which is acidic and polar, at codon 125 of the EFTUD2 protein (p.Asn125Asp).